The following is an entry in ClinVar:

ClinVar aggregate classification (germline): Pathogenic (1 of 4 stars; one submission).

Conditions:
Hereditary cancer-predisposing syndrome. Also called: Tumor predisposition; Neoplastic Syndromes, Hereditary; Hereditary Cancer Syndrome; Hereditary neoplastic syndrome. Identifiers: Orphanet 140162, MedGen C0027672, MeSH D009386, MONDO:0015356.

Submission:

Ambry Genetics
Classification: Pathogenic for Hereditary cancer-predisposing syndrome. Last evaluated: 2021-12-15. Review status: criteria provided, single submitter. Criteria: Ambry Variant Classification Scheme 2023. Collection method: clinical testing. Allele origin: germline.
Comment: The c.3125delT pathogenic mutation, located in coding exon 20 of the ATM gene, results from a deletion of one nucleotide at nucleotide position 3125, causing a translational frameshift with a predicted alternate stop codon (p.L1042Qfs*2). This alteration is expected to result in loss of function by premature protein truncation or nonsense-mediated mRNA decay. As such, this alteration is interpreted as a disease-causing mutation.

NM_000051.4(ATM):c.3125del (p.Leu1042fs)

Gene: ATM (ATM serine/threonine kinase; plus strand). Cytogenetic location: 11q22.3.
Variant type: Deletion.
Coding change: c.3125del on transcript NM_000051.4 (MANE Select); coding-DNA position 3125, one base deleted (T; older notation c.3125delT).
Protein change: p.Leu1042fs; shifts the reading frame from leucine 1042.
Molecular consequence: frameshift variant.
Genome position (GRCh38, 1-based): chr11:108,272,579, T deleted. VCF-style (leftmost placement, unchanged base first): chr11-108272578-CT-C. GRCh37 (hg19) VCF-style: chr11-108143305-CT-C.
Other names: c.3125del, p.Leu1042fs (NM_001351834.2); short protein forms L1042fs.
Identifiers: ClinVar variation 1727888 (VCV001727888.2), dbSNP rs2497713677, ClinGen allele CA2580083294.